The following is an entry in ClinVar:

ClinVar aggregate classification (germline): Uncertain significance (1 of 4 stars; one submission).

gnomAD v4.1: 5 of 1,614,156 alleles (0.00031%); highest among the groups gnomAD compares: Non-Finnish European, 0.00042%; no homozygotes.

Submission:

Labcorp Genetics (formerly Invitae), Labcorp
Classification: Uncertain significance. Last evaluated: 2026-01-19. Review status: criteria provided, single submitter. Criteria: Invitae Variant Classification Sherloc (09022015). Collection method: clinical testing. Allele origin: germline.
Comment: This sequence change replaces threonine, which is neutral and polar, with arginine, which is basic and polar, at codon 656 of the NLRP1 protein (p.Thr656Arg). This variant is present in population databases (rs769370941, gnomAD 0.0009%). This variant has not been reported in the literature in individuals affected with NLRP1-related conditions. An algorithm developed to predict the effect of missense changes on protein structure and function (PolyPhen-2) suggests that this variant is likely to be tolerated. In summary, the available evidence is currently insufficient to determine the role of this variant in disease. Therefore, it has been classified as a Variant of Uncertain Significance.

NM_033004.4(NLRP1):c.1967C>G (p.Thr656Arg)

Gene: NLRP1 (NLR family pyrin domain containing 1; minus strand). Cytogenetic location: 17p13.2.
Variant type: single nucleotide variant.
Coding change: c.1967C>G on transcript NM_033004.4 (MANE Select); coding-DNA position 1967, C replaced by G.
Protein change: p.Thr656Arg; replaces threonine 656 with arginine.
Molecular consequence: missense variant.
Genome position (GRCh38, 1-based): chr17:5,558,729, G>C on the plus strand (C>G on the coding strand, the complement: NLRP1 is on the minus strand). VCF-style: chr17-5558729-G-C. GRCh37 (hg19) VCF-style: chr17-5462049-G-C.
Other names: c.1967C>G, p.Thr656Arg (NM_001033053.3, NM_014922.5, NM_033006.4 and 1 more transcripts); short protein forms T656R.
Identifiers: ClinVar variation 4726630 (VCV004726630.1).
Genomic context (GRCh38, chr17:5,558,729, plus strand): 5'-CCCAATAGGAAACGTGTGGTTGATGCCCCAAACAGGCCATGTATTCCATATGCTTCTAGC[G>C]TCTTTTCCAAATCTATGATGCAATTAGAATGTTTACCTCTCCCCTTCTCATCCTCCAAGA-3'
Protein context (NP_127497.1, residues 646-666): HSNCIIDLEK[Thr656Arg]LEAYGIHGLF